The following is an entry in ClinVar:

NM_000535.7(PMS2):c.1984G>A (p.Asp662Asn)

Gene: PMS2 (PMS1 homolog 2, mismatch repair system component; minus strand). Cytogenetic location: 7p22.1.
Variant type: single nucleotide variant.
Coding change: c.1984G>A on transcript NM_000535.7 (MANE Select); coding-DNA position 1984, G replaced by A.
Protein change: p.Asp662Asn; replaces aspartic acid 662 with asparagine.
Molecular consequence: missense variant. On other transcripts: non-coding transcript variant (1).
Genome position (GRCh38, 1-based): chr7:5,986,781, C>T on the plus strand (G>A on the coding strand, the complement: PMS2 is on the minus strand). VCF-style: chr7-5986781-C-T. GRCh37 (hg19) VCF-style: chr7-6026412-C-T.
Other names: c.1579G>A, p.Asp527Asn (NM_001322003.2, NM_001322004.2, NM_001322005.2 and 1 more transcripts); c.1828G>A, p.Asp610Asn (NM_001322006.2); c.1666G>A, p.Asp556Asn (NM_001322007.2, NM_001322008.2); c.1423G>A, p.Asp475Asn (NM_001322010.2); c.1051G>A, p.Asp351Asn (NM_001322011.2, NM_001322012.2); c.1411G>A, p.Asp471Asn (NM_001322013.2); c.1984G>A, p.Asp662Asn (NM_001322014.2); c.1675G>A, p.Asp559Asn (NM_001322015.2); short protein forms D527N, D610N, D662N, D351N, D471N, D475N, D559N, D556N.
Identifiers: ClinVar variation 969425 (VCV000969425.10), dbSNP rs1562625087, ClinGen allele CA366738958.

ClinVar aggregate classification (germline): Uncertain significance. Review status: criteria provided, multiple submitters, no conflicts (2 of 4 stars). 3 submissions from 3 submitters: Uncertain significance (3). Last evaluated 2024-02-22.

Conditions:
Hereditary nonpolyposis colorectal neoplasms. Identifiers: MedGen C0009405, MeSH D003123.
Lynch syndrome. Identifiers: Orphanet 144, MedGen C4552100, MONDO:0005835. Disease mechanism: loss of function.
Hereditary cancer-predisposing syndrome. Also called: Neoplastic Syndromes, Hereditary; Hereditary Cancer Syndrome; Tumor predisposition; Hereditary neoplastic syndrome. Identifiers: Orphanet 140162, MedGen C0027672, MeSH D009386, MONDO:0015356.

Submissions (3):

All of Us Research Program, National Institutes of Health
Classification: Uncertain significance for Lynch syndrome. Last evaluated: 2024-02-22. Review status: criteria provided, single submitter. Criteria: ACMG Guidelines, 2015. Collection method: clinical testing. Allele origin: germline. Inheritance: Autosomal dominant inheritance. Observed: 1 variant allele, 1 heterozygote.
Comment: This missense variant replaces aspartic acid with asparagine at codon 662 of the PMS2 protein. Computational prediction suggests that this variant may not impact protein structure and function (internally defined REVEL score threshold <= 0.5, PMID: 27666373). To our knowledge, functional studies have not been reported for this variant. This variant has not been reported in individuals affected with PMS2-related disorders in the literature. This variant has not been identified in the general population by the Genome Aggregation Database (gnomAD). The available evidence is insufficient to determine the role of this variant in disease conclusively. Therefore, this variant is classified as a Variant of Uncertain Significance.

This study involves interpretation of variants in research participants for the purpose of population health screening. Participant phenotype was not available at the time of variant classification. Additional details can be found in publication PMID: 35346344, PMCID: PMC8962531

Labcorp Genetics (formerly Invitae), Labcorp
Classification: Uncertain significance for Hereditary nonpolyposis colorectal neoplasms. Last evaluated: 2022-07-19. Review status: criteria provided, single submitter. Criteria: Invitae Variant Classification Sherloc (09022015). Collection method: clinical testing. Allele origin: germline.
Comment: In summary, the available evidence is currently insufficient to determine the role of this variant in disease. Therefore, it has been classified as a Variant of Uncertain Significance. Advanced modeling of protein sequence and biophysical properties (such as structural, functional, and spatial information, amino acid conservation, physicochemical variation, residue mobility, and thermodynamic stability) performed at Invitae indicates that this missense variant is not expected to disrupt PMS2 protein function. ClinVar contains an entry for this variant (Variation ID: 969425). This variant has not been reported in the literature in individuals affected with PMS2-related conditions. This variant is not present in population databases (gnomAD no frequency). This sequence change replaces aspartic acid, which is acidic and polar, with asparagine, which is neutral and polar, at codon 662 of the PMS2 protein (p.Asp662Asn).

Ambry Genetics
Classification: Uncertain significance for Hereditary cancer-predisposing syndrome. Last evaluated: 2020-12-30. Review status: criteria provided, single submitter. Criteria: Ambry Variant Classification Scheme 2023. Collection method: clinical testing. Allele origin: germline.
Comment: The p.D662N variant (also known as c.1984G>A), located in coding exon 11 of the PMS2 gene, results from a G to A substitution at nucleotide position 1984. The aspartic acid at codon 662 is replaced by asparagine, an amino acid with highly similar properties. This amino acid position is not well conserved in available vertebrate species. In addition, this alteration is predicted to be tolerated by in silico analysis. Since supporting evidence is limited at this time, the clinical significance of this alteration remains unclear.